The following is an entry in ClinVar:

NM_001127464.1:c.2456G>T

Gene: ZNF469 (zinc finger protein 469; plus strand).
Variant type: single nucleotide variant.
Identifiers: ClinVar variation 4844996 (VCV004844996.1).

ClinVar aggregate classification (germline): Uncertain significance (1 of 4 stars; one submission).

Conditions:
Cardiovascular phenotype. Identifiers: MedGen CN230736.

Submission:

Ambry Genetics
Classification: Uncertain significance for Cardiovascular phenotype. Last evaluated: 2026-01-17. Review status: criteria provided, single submitter. Criteria: Ambry Variant Classification Scheme 2023. Collection method: clinical testing. Allele origin: germline.
Comment: The p.S819I variant (also known as c.2456G>T), located in coding exon 1 of the ZNF469 gene, results from a G to T substitution at nucleotide position 2456. The serine at codon 819 is replaced by isoleucine, an amino acid with dissimilar properties. This amino acid position is conserved. In addition, this alteration is predicted to be tolerated by in silico analysis. Based on the available evidence, the clinical significance of this variant remains unclear.